The following is an entry in ClinVar:

ClinVar aggregate classification (germline): Pathogenic/Likely pathogenic. Review status: criteria provided, multiple submitters, no conflicts (2 of 4 stars). 3 submissions from 3 submitters: Pathogenic (2); Likely pathogenic (1). Last evaluated 2026-01-24.

Conditions:
Autosomal recessive limb-girdle muscular dystrophy type 2L (LGMDR12). Also called: Limb-girdle muscular dystrophy, type 2L; Limb-Girdle Muscular Dystrophy R12 Anoctamin-5-Related (LGMD-R12); MUSCULAR DYSTROPHY, LIMB-GIRDLE, AUTOSOMAL RECESSIVE 12. Identifiers: Orphanet 206549, MedGen C1969785, MONDO:0012652, OMIM 611307.
Gnathodiaphyseal dysplasia (GDD). Also called: GNATHODIAPHYSEAL SCLEROSIS; OSTEOGENESIS IMPERFECTA WITH UNUSUAL SKELETAL LESIONS. Identifiers: Orphanet 53697, MedGen C1833736, MONDO:0008151, OMIM 166260.

Allele frequency attached by ClinVar (database versions not stated): ExAC 0.00001; TOPMed 0.00002.
gnomAD v4.1: 9 of 1,613,216 alleles (0.00056%); highest among the groups gnomAD compares: Admixed American, 0.0067%; no homozygotes.

Submissions (3):

Labcorp Genetics (formerly Invitae), Labcorp
Classification: Pathogenic for Autosomal recessive limb-girdle muscular dystrophy type 2L; Gnathodiaphyseal dysplasia. Last evaluated: 2026-01-24. Review status: criteria provided, single submitter. Criteria: Invitae Variant Classification Sherloc (09022015). Collection method: clinical testing. Allele origin: germline.
Comment: This sequence change creates a premature translational stop signal (p.Arg547*) in the ANO5 gene. It is expected to result in an absent or disrupted protein product. Loss-of-function variants in ANO5 are known to be pathogenic (PMID: 21186264, 23606453, 25891276, 30919934). This variant is present in population databases (rs747719953, gnomAD 0.006%). This premature translational stop signal has been observed in individuals with autosomal recessive limb-girdle muscular dystrophy (PMID: 23606453, 25891276). ClinVar contains an entry for this variant (Variation ID: 288832). Algorithms developed to predict the effect of sequence changes on RNA splicing suggest that this variant may disrupt the consensus splice site. For these reasons, this variant has been classified as Pathogenic.

SIB Swiss Institute of Bioinformatics
Classification: Likely pathogenic for Autosomal recessive limb-girdle muscular dystrophy type 2L. Last evaluated: 2018-04-16. Review status: criteria provided, single submitter. Criteria: ACMG Guidelines, 2015. Collection method: curation. Allele origin: germline.
Comment: This variant is interpreted as a Likely Pathogenic, for Limb-girdle muscular dystrophy 2L, Autosomal Recessive inheritance. The following ACMG Tag(s) were applied: PM2 => Absent from controls (or at extremely low frequency if recessive) in Exome Sequencing Project, 1000 Genomes Project, or Exome Aggregation Consortium. PP3 => Multiple lines of computational evidence support a deleterious effect on the gene or gene product. PVS1-Strong => PVS1 downgraded in strength to Strong.

Eurofins Ntd Llc (ga)
Classification: Pathogenic. Last evaluated: 2016-06-20. Review status: criteria provided, single submitter. Criteria: EGL Classification Definitions 2015. Collection method: clinical testing. Allele origin: germline. Observed: 1 variant allele, 1 heterozygote.

Literature cited by the submitters: PubMed 21186264 (cited by Labcorp Genetics (formerly Invitae), Labcorp); PubMed 23606453 (cited by Labcorp Genetics (formerly Invitae), Labcorp and Eurofins Ntd Llc (ga)); PubMed 25891276 (cited by Labcorp Genetics (formerly Invitae), Labcorp and SIB Swiss Institute of Bioinformatics); PubMed 30919934 (cited by Labcorp Genetics (formerly Invitae), Labcorp).

NM_213599.3(ANO5):c.1639C>T (p.Arg547Ter)

Gene: ANO5 (anoctamin 5; plus strand). Cytogenetic location: 11p14.3.
Variant type: single nucleotide variant.
Coding change: c.1639C>T on transcript NM_213599.3 (MANE Select); coding-DNA position 1639, C replaced by T.
Protein change: p.Arg547Ter; replaces arginine 547 with a stop codon.
Molecular consequence: nonsense.
Genome position (GRCh38, 1-based): chr11:22,262,137, C>T. VCF-style: chr11-22262137-C-T. GRCh37 (hg19) VCF-style: chr11-22283683-C-T.
Other names: NM_001142649.1:c.1636C>T(p.Arg546Ter); NM_213599.2:c.1639C>T(p.Arg547Ter); c.1636C>T, p.Arg546Ter (NM_001142649.2); short protein forms R547*, R546*.
Identifiers: ClinVar variation 288832 (VCV000288832.13), dbSNP rs747719953, ClinGen allele CA5923315.
Genomic context (GRCh38, chr11:22,262,137, plus strand): 5'-TTCAAGGAAAAAAATAAGAAGATGCACTAAACATTTTTTTTTAACTTAACAGAAATTCCT[C>T]GAACATACCAGGAGTATGAGAGCAGTCTTACCTTGAAAATGTTCCTGTTTCAGTTTGTAA-3'